The following is an entry in ClinVar:

NM_212482.4(FN1):c.1649G>A (p.Arg550Gln)

Genes: FN1 (fibronectin 1; minus strand), LOC122861289 (Sharpr-MPRA regulatory region 10603; plus strand). Cytogenetic location: 2q35.
Variant type: single nucleotide variant.
Coding change: c.1649G>A on transcript NM_212482.4 (MANE Select); coding-DNA position 1649, G replaced by A.
Protein change: p.Arg550Gln; replaces arginine 550 with glutamine.
Molecular consequence: missense variant.
Genome position (GRCh38, 1-based): chr2:215,420,699, C>T on the plus strand (G>A on the coding strand, the complement: FN1 is on the minus strand). VCF-style: chr2-215420699-C-T. GRCh37 (hg19) VCF-style: chr2-216285422-C-T.
Other names: c.1649G>A, p.Arg550Gln (NM_001306129.2, NM_001306130.2, NM_001306131.2 and 14 more transcripts); short protein forms R550Q.
Identifiers: ClinVar variation 3585537 (VCV003585537.3).

ClinVar aggregate classification (germline): Uncertain significance. Review status: criteria provided, multiple submitters, no conflicts (2 of 4 stars). 2 submissions from 2 submitters: Uncertain significance (2). Last evaluated 2025-01-20.

Conditions:
Glomerulopathy with fibronectin deposits 2 (GFND2). Identifiers: Orphanet 84090, MedGen C1866075, MONDO:0011165, OMIM 601894.
Spondylometaphyseal dysplasia - Sutcliffe type. Also called: Sutcliffe type of spondylometaphyseal dysplasia; Sutcliffe SMD; Spondylometaphyseal dysplasia, 'corner fracture' type; Spondylometaphyseal Dysplasia, Corner Fracture Type. Identifiers: Orphanet 93315, MedGen C0432221, MONDO:0008479, OMIM 184255.

gnomAD v4.1: 28 of 1,614,008 alleles (0.0017%); highest among the groups gnomAD compares: Admixed American, 0.005%; no homozygotes.

Submissions (2):

Labcorp Genetics (formerly Invitae), Labcorp
Classification: Uncertain significance. Last evaluated: 2025-01-20. Review status: criteria provided, single submitter. Criteria: Invitae Variant Classification Sherloc (09022015). Collection method: clinical testing. Allele origin: germline.
Comment: This sequence change replaces arginine, which is basic and polar, with glutamine, which is neutral and polar, at codon 550 of the FN1 protein (p.Arg550Gln). This variant is present in population databases (rs375548740, gnomAD 0.006%). This variant has not been reported in the literature in individuals affected with FN1-related conditions. An algorithm developed to predict the effect of missense changes on protein structure and function (PolyPhen-2) suggests that this variant is likely to be disruptive. In summary, the available evidence is currently insufficient to determine the role of this variant in disease. Therefore, it has been classified as a Variant of Uncertain Significance.

Fulgent Genetics
Classification: Uncertain significance for Spondylometaphyseal dysplasia - Sutcliffe type; Glomerulopathy with fibronectin deposits 2. Last evaluated: 2024-02-19. Review status: criteria provided, single submitter. Criteria: ACMG Guidelines, 2015. Collection method: clinical testing. Allele origin: germline.